The following is an entry in ClinVar:

NM_006947.4(SRP72):c.62A>G (p.Tyr21Cys)

Gene: SRP72 (signal recognition particle 72; plus strand). Cytogenetic location: 4q12.
Variant type: single nucleotide variant.
Coding change: c.62A>G on transcript NM_006947.4 (MANE Select); coding-DNA position 62, A replaced by G.
Protein change: p.Tyr21Cys; replaces tyrosine 21 with cysteine.
Molecular consequence: missense variant. On other transcripts: non-coding transcript variant (1).
Genome position (GRCh38, 1-based): chr4:56,467,697, A>G. VCF-style: chr4-56467697-A-G. GRCh37 (hg19) VCF-style: chr4-57333863-A-G.
Other names: c.62A>G, p.Tyr21Cys (NM_001267722.2); short protein forms Y21C.
Identifiers: ClinVar variation 3801464 (VCV003801464.1).

ClinVar aggregate classification (germline): Uncertain significance (1 of 4 stars; one submission).

gnomAD v4.1: 5 of 1,509,388 alleles (0.00033%); highest among the groups gnomAD compares: Non-Finnish European, 0.00044%; no homozygotes.

Submission:

Ambry Genetics
Classification: Uncertain significance. Last evaluated: 2025-01-25. Review status: criteria provided, single submitter. Criteria: Ambry Variant Classification Scheme 2023. Collection method: clinical testing. Allele origin: germline.
Comment: The p.Y21C variant (also known as c.62A>G), located in coding exon 1 of the SRP72 gene, results from an A to G substitution at nucleotide position 62. The tyrosine at codon 21 is replaced by cysteine, an amino acid with highly dissimilar properties. This amino acid position is conserved. In addition, this alteration is predicted to be tolerated by in silico analysis. Based on the available evidence, the clinical significance of this variant remains unclear.